The following is an entry in ClinVar:

ClinVar aggregate classification (germline): Likely benign (0 of 4 stars; one submission).

Conditions:
CD101-related disorder. Also called: CD101-related condition.

Allele frequency attached by ClinVar (database versions not stated): ExAC 0.00073; TOPMed 0.00115; gnomAD 0.00116; ESP Exome Variant Server 0.00192; gnomAD exomes 0.00198.
gnomAD v4.1: 3,211 of 1,613,822 alleles (0.2%); highest among the groups gnomAD compares: Non-Finnish European, 0.25%; 7 homozygotes.

Submissions (4):

PreventionGenetics, part of Exact Sciences
Classification: Likely benign for CD101-related condition. Last evaluated: 2023-02-28. Review status: no assertion criteria provided. Collection method: clinical testing. Allele origin: germline.
Comment: This variant is classified as likely benign based on ACMG/AMP sequence variant interpretation guidelines (Richards et al. 2015 PMID: 25741868, with internal and published modifications).

Dr. Peter K. Rogan Lab, Western University
No classification provided (evidence only). Condition: Sarcoma. Review status: no classification provided. Collection method: in vitro. Allele origin: not applicable. Functional consequence: retained intron. Not counted in ClinVar's aggregate classification.

Dr. Peter K. Rogan Lab, Western University
No classification provided (evidence only). Condition: Sarcoma. Review status: no classification provided. Collection method: in vitro. Allele origin: not applicable. Functional consequence: retained intron. Not counted in ClinVar's aggregate classification.

Dr. Peter K. Rogan Lab, Western University
No classification provided (evidence only). Condition: Ovarian serous cystadenocarcinoma. Review status: no classification provided. Collection method: in vitro. Allele origin: not applicable. Functional consequence: retained intron. Not counted in ClinVar's aggregate classification.

NM_001256106.3(CD101):c.2367C>T (p.Gly789=)

Gene: CD101 (CD101 molecule; plus strand). Cytogenetic location: 1p13.1.
Variant type: single nucleotide variant.
Coding change: c.2367C>T on transcript NM_001256106.3 (MANE Select); coding-DNA position 2367, C replaced by T.
Protein change: p.Gly789=; no amino-acid change (glycine 789 retained).
Molecular consequence: synonymous variant.
Genome position (GRCh38, 1-based): chr1:117,021,922, C>T. VCF-style: chr1-117021922-C-T. GRCh37 (hg19) VCF-style: chr1-117564544-C-T.
Other names: NC_000001.10:g.117564544C>T; c.2367C>T, p.Gly789= (NM_001256109.3, NM_004258.6); c.2181C>T, p.Gly727= (NM_001256111.3).
Identifiers: ClinVar variation 3034619 (VCV003034619.3), dbSNP rs147808609, ClinGen allele CA1028548.